The following is an entry in ClinVar:

NM_198253.3(TERT):c.2947C>T (p.His983Tyr)

Gene: TERT (telomerase reverse transcriptase; minus strand). Cytogenetic location: 5p15.33.
Variant type: single nucleotide variant.
Coding change: c.2947C>T on transcript NM_198253.3 (MANE Select); coding-DNA position 2947, C replaced by T.
Protein change: p.His983Tyr; replaces histidine 983 with tyrosine.
Molecular consequence: missense variant. On other transcripts: non-coding transcript variant (2).
Genome position (GRCh38, 1-based): chr5:1,260,497, G>A on the plus strand (C>T on the coding strand, the complement: TERT is on the minus strand). VCF-style: chr5-1260497-G-A. GRCh37 (hg19) VCF-style: chr5-1260612-G-A.
Other names: p.His983Tyr; c.2758C>T, p.His920Tyr (NM_001193376.3); short protein forms H983Y, H920Y.
Identifiers: ClinVar variation 440965 (VCV000440965.14), dbSNP rs1554038803, ClinGen allele CA359069737.

ClinVar aggregate classification (germline): Conflicting classifications of pathogenicity. Review status: criteria provided, conflicting classifications (1 of 4 stars). 3 submissions from 3 submitters: Likely pathogenic (1); Uncertain significance (2). Last evaluated 2022-01-17.

Conditions:
Dyskeratosis congenita, autosomal dominant 2. Identifiers: MedGen C3151443, MONDO:0013521, OMIM 613989.
Idiopathic Pulmonary Fibrosis. Also called: Idiopathic fibrosing alveolitis, chronic form; idiopathic fibrosing alveolitis. Identifiers: Orphanet 2032, MedGen C1800706, MeSH D054990, MONDO:0800504.

Submissions (3):

Molecular Diagnostics Laboratory, M Health Fairview: University of Minnesota
Classification: Likely pathogenic for Dyskeratosis congenita, autosomal dominant 2. Last evaluated: 2022-01-17. Review status: criteria provided, single submitter. Criteria: ACMG Guidelines, 2015. Collection method: clinical testing. Allele origin: germline. Affected: yes.

Labcorp Genetics (formerly Invitae), Labcorp
Classification: Uncertain significance for Dyskeratosis congenita, autosomal dominant 2; Idiopathic Pulmonary Fibrosis. Last evaluated: 2021-06-25. Review status: criteria provided, single submitter. Criteria: Invitae Variant Classification Sherloc (09022015). Collection method: clinical testing. Allele origin: germline.
Comment: In summary, the available evidence is currently insufficient to determine the role of this variant in disease. Therefore, it has been classified as a Variant of Uncertain Significance. Advanced modeling of protein sequence and biophysical properties (such as structural, functional, and spatial information, amino acid conservation, physicochemical variation, residue mobility, and thermodynamic stability) performed at Invitae indicates that this missense variant is expected to disrupt TERT protein function. This variant has been observed in individual(s) with short telomere syndrome (PMID: 26158642). ClinVar contains an entry for this variant (Variation ID: 440965). This variant is not present in population databases (ExAC no frequency). This sequence change replaces histidine with tyrosine at codon 983 of the TERT protein (p.His983Tyr). The histidine residue is moderately conserved and there is a moderate physicochemical difference between histidine and tyrosine.

GeneDx
Classification: Uncertain significance. Last evaluated: 2019-01-25. Review status: criteria provided, single submitter. Criteria: GeneDx Variant Classification Process June 2021. Collection method: clinical testing. Allele origin: germline. Affected: yes.
Comment: Not observed in large population cohorts (Lek et al., 2016); In silico analysis, which includes protein predictors and evolutionary conservation, supports a deleterious effect; This variant is associated with the following publications: (PMID: 26158642, 26360549)

Literature cited by the submitters: PubMed 26158642 (cited by Labcorp Genetics (formerly Invitae), Labcorp).